The following is an entry in ClinVar:

NM_014249.4(NR2E3):c.443C>T (p.Ala148Val)

Gene: NR2E3 (nuclear receptor subfamily 2 group E member 3; plus strand). Cytogenetic location: 15q23.
Variant type: single nucleotide variant.
Coding change: c.443C>T on transcript NM_014249.4 (MANE Select); coding-DNA position 443, C replaced by T.
Protein change: p.Ala148Val; replaces alanine 148 with valine.
Molecular consequence: missense variant.
Genome position (GRCh38, 1-based): chr15:71,812,048, C>T. VCF-style: chr15-71812048-C-T. GRCh37 (hg19) VCF-style: chr15-72104388-C-T.
Other names: c.443C>T, p.Ala148Val (NM_016346.4); short protein forms A148V.
Identifiers: ClinVar variation 2878574 (VCV002878574.4), dbSNP rs2543254264, ClinGen allele CA393034405.

ClinVar aggregate classification (germline): Uncertain significance. Review status: criteria provided, multiple submitters, no conflicts (2 of 4 stars). 2 submissions from 2 submitters: Uncertain significance (2). Last evaluated 2023-12-14.

Conditions:
Retinal dystrophy. Also called: Inherited retinal dystrophy. Identifiers: MONDO:0019118, HP:0000556, Orphanet 71862, MedGen C0854723, MeSH D058499.

gnomAD v4.1: 1 of 1,553,590 alleles (0.000064%); highest among the groups gnomAD compares: South Asian, 0.0012%; no homozygotes.

Submissions (2):

Labcorp Genetics (formerly Invitae), Labcorp
Classification: Uncertain significance. Last evaluated: 2023-12-14. Review status: criteria provided, single submitter. Criteria: Invitae Variant Classification Sherloc (09022015). Collection method: clinical testing. Allele origin: germline.
Comment: This sequence change replaces alanine, which is neutral and non-polar, with valine, which is neutral and non-polar, at codon 148 of the NR2E3 protein (p.Ala148Val). This variant is not present in population databases (gnomAD no frequency). This variant has not been reported in the literature in individuals affected with NR2E3-related conditions. Advanced modeling of protein sequence and biophysical properties (such as structural, functional, and spatial information, amino acid conservation, physicochemical variation, residue mobility, and thermodynamic stability) performed at Invitae indicates that this missense variant is not expected to disrupt NR2E3 protein function with a negative predictive value of 95%. In summary, the available evidence is currently insufficient to determine the role of this variant in disease. Therefore, it has been classified as a Variant of Uncertain Significance.

Dept Of Ophthalmology, Nagoya University
Classification: Uncertain significance for Retinal dystrophy. Last evaluated: 2023-10-01. Review status: criteria provided, single submitter. Criteria: Submitter's publication. Collection method: research. Allele origin: germline. Affected: yes.